The following is an entry in ClinVar:

ClinVar aggregate classification (germline): Likely benign. Review status: criteria provided, multiple submitters, no conflicts (2 of 4 stars). 3 submissions from 3 submitters: Likely benign (3). Last evaluated 2025-12-14.

Conditions:
Deficiency of 2-methylbutyryl-CoA dehydrogenase (ACADSB). Also called: 2-methylbutyryl-CoA dehydrogenase deficiency; SBCAD deficiency; 2-methylbutyric aciduria; Short branched-chain acyl-CoA dehydrogenase deficiency; 2-methylbutyrylglycinuria. Identifiers: Orphanet 79157, MedGen C1864912, MONDO:0012392, OMIM 610006, HP:0020147.

Submissions (3):

Labcorp Genetics (formerly Invitae), Labcorp
Classification: Likely benign for Deficiency of 2-methylbutyryl-CoA dehydrogenase. Last evaluated: 2025-12-14. Review status: criteria provided, single submitter. Criteria: Invitae Variant Classification Sherloc (09022015). Collection method: clinical testing. Allele origin: germline.

Mayo Clinic Laboratories, Mayo Clinic
Classification: Likely benign. Last evaluated: 2025-04-08. Review status: criteria provided, single submitter. Criteria: ACMG Guidelines, 2015. Collection method: clinical testing. Allele origin: germline. Observed: 14 variant alleles.
Comment: BP4, BP7

Laboratory of Genetics, Children's Clinical University Hospital Latvia
Classification: Likely benign. Last evaluated: 2025-02-16. Review status: criteria provided, single submitter. Criteria: ACMG Guidelines, 2015. Collection method: clinical testing. Allele origin: germline. Affected: yes.

NM_001609.4(ACADSB):c.1128+24_1128+26del

Gene: ACADSB (acyl-CoA dehydrogenase short/branched chain; plus strand). Cytogenetic location: 10q26.13.
Variant type: Deletion.
Coding change: c.1128+24_1128+26del on transcript NM_001609.4 (MANE Select); bases 24 to 26 of the intron after coding-DNA position 1128, 3 bases deleted (AAA; older notation c.1128+24_1128+26delAAA).
Molecular consequence: intron variant.
Genome position (GRCh38, 1-based): chr10:123,051,210-123,051,212, AAA deleted; deleting any 3 consecutive bases within chr10:123,051,189-123,051,212 gives the same sequence; the c. name uses the placement nearest the transcript's 3' end. VCF-style (leftmost placement, unchanged base first): chr10-123051188-TAAA-T. GRCh37 (hg19) VCF-style: chr10-124810704-TAAA-T.
Other names: p.?; c.822+24_822+26del (NM_001330174.3).
Identifiers: ClinVar variation 3910834 (VCV003910834.3).